The following is an entry in ClinVar:

NM_001039213.4(CEACAM16):c.268G>A (p.Asp90Asn)

Genes: CEACAM16 (CEA cell adhesion molecule 16, tectorial membrane component; plus strand), CEACAM16-AS1 (CEACAM16, CEACAM19 and PVR antisense RNA 1; minus strand). Cytogenetic location: 19q13.32.
Variant type: single nucleotide variant.
Coding change: c.268G>A on transcript NM_001039213.4 (MANE Select); coding-DNA position 268, G replaced by A.
Protein change: p.Asp90Asn; replaces aspartic acid 90 with asparagine.
Molecular consequence: missense variant.
Genome position (GRCh38, 1-based): chr19:44,703,579, G>A. VCF-style: chr19-44703579-G-A. GRCh37 (hg19) VCF-style: chr19-45206849-G-A.
Other names: short protein forms D90N.
Identifiers: ClinVar variation 4780666 (VCV004780666.1).

ClinVar aggregate classification (germline): Uncertain significance (1 of 4 stars; one submission).

gnomAD v4.1: 4 of 1,610,240 alleles (0.00025%); highest among the groups gnomAD compares: Non-Finnish European, 0.00017%; no homozygotes.

Submission:

Labcorp Genetics (formerly Invitae), Labcorp
Classification: Uncertain significance. Last evaluated: 2025-05-08. Review status: criteria provided, single submitter. Criteria: Invitae Variant Classification Sherloc (09022015). Collection method: clinical testing. Allele origin: germline.
Comment: This sequence change replaces aspartic acid, which is acidic and polar, with asparagine, which is neutral and polar, at codon 90 of the CEACAM16 protein (p.Asp90Asn). The frequency data for this variant in the population databases is considered unreliable, as metrics indicate poor data quality at this position in the gnomAD database. This variant has not been reported in the literature in individuals affected with CEACAM16-related conditions. Invitae Evidence Modeling of protein sequence and biophysical properties (such as structural, functional, and spatial information, amino acid conservation, physicochemical variation, residue mobility, and thermodynamic stability) indicates that this missense variant is not expected to disrupt CEACAM16 protein function with a negative predictive value of 80%. In summary, the available evidence is currently insufficient to determine the role of this variant in disease. Therefore, it has been classified as a Variant of Uncertain Significance.